The following is an entry in ClinVar:

ClinVar aggregate classification (germline): Uncertain significance (1 of 4 stars; one submission).

gnomAD v4.1: 10 of 1,614,086 alleles (0.00062%); highest among the groups gnomAD compares: Non-Finnish European, 0.00085%; no homozygotes.

Submission:

GeneDx
Classification: Uncertain significance. Last evaluated: 2025-07-16. Review status: criteria provided, single submitter. Criteria: GeneDx Variant Classification Process June 2021. Collection method: clinical testing. Allele origin: germline. Affected: yes.
Comment: Not observed at significant frequency in large population cohorts (gnomAD); In silico analysis suggests that this missense variant does not alter protein structure/function; Has not been previously published as pathogenic or benign to our knowledge

NM_033159.4(HYAL1):c.1189C>T (p.Pro397Ser)

Gene: HYAL1 (hyaluronidase 1; minus strand). Cytogenetic location: 3p21.31.
Variant type: single nucleotide variant.
Coding change: c.1189C>T on transcript NM_033159.4 (MANE Select); coding-DNA position 1189, C replaced by T.
Protein change: p.Pro397Ser; replaces proline 397 with serine.
Molecular consequence: missense variant. On other transcripts: non-coding transcript variant (1).
Genome position (GRCh38, 1-based): chr3:50,300,602, G>A on the plus strand (C>T on the coding strand, the complement: HYAL1 is on the minus strand). VCF-style: chr3-50300602-G-A. GRCh37 (hg19) VCF-style: chr3-50338033-G-A.
Other names: c.1189C>T, p.Pro397Ser (NM_153281.2); c.1099C>T, p.Pro367Ser (NM_153282.3); c.643C>T, p.Pro215Ser (NM_153283.3); c.412C>T, p.Pro138Ser (NM_153285.3); short protein forms P138S, P215S, P367S, P397S.
Identifiers: ClinVar variation 4686505 (VCV004686505.1).
Genomic context (GRCh38, chr3:50,300,602, plus strand): 5'-TGAACTCCACAGCCATCTGTGCCTGATCTTCAAGTGAGAGGGCACCCCGCAGGCTCAGGG[G>A]CCCACCACCAGGCGTGAGCTGGATGGAGAAACTGGCAGGGTTAAGGAGGAGGAGGGCTTT-3'
Protein context (NP_149349.2, residues 387-407): FSIQLTPGGG[Pro397Ser]LSLRGALSLE